The following is an entry in ClinVar:

ClinVar aggregate classification (germline): Uncertain significance (1 of 4 stars; one submission).

Conditions:
Hereditary cancer-predisposing syndrome. Also called: Hereditary neoplastic syndrome; Neoplastic Syndromes, Hereditary; Tumor predisposition; Hereditary Cancer Syndrome. Identifiers: Orphanet 140162, MedGen C0027672, MeSH D009386, MONDO:0015356.

gnomAD v4.1: 1 of 1,613,850 alleles (0.000062%); highest among the groups gnomAD compares: African/African-American, 0.0013%; no homozygotes.

Submission:

Ambry Genetics
Classification: Uncertain significance for Hereditary cancer-predisposing syndrome. Last evaluated: 2025-03-14. Review status: criteria provided, single submitter. Criteria: Ambry Variant Classification Scheme 2023. Collection method: clinical testing. Allele origin: germline.
Comment: The p.P1128R variant (also known as c.3383C>G), located in coding exon 28 of the EGFR gene, results from a C to G substitution at nucleotide position 3383. The proline at codon 1128 is replaced by arginine, an amino acid with dissimilar properties. This amino acid position is conserved. In addition, this alteration is predicted to be tolerated by in silico analysis. Based on the available evidence, the clinical significance of this variant remains unclear.

NM_005228.5(EGFR):c.3383C>G (p.Pro1128Arg)

Gene: EGFR (epidermal growth factor receptor; plus strand). Cytogenetic location: 7p11.2.
Variant type: single nucleotide variant.
Coding change: c.3383C>G on transcript NM_005228.5 (MANE Select); coding-DNA position 3383, C replaced by G.
Protein change: p.Pro1128Arg; replaces proline 1128 with arginine.
Molecular consequence: missense variant.
Genome position (GRCh38, 1-based): chr7:55,205,367, C>G. VCF-style: chr7-55205367-C-G. GRCh37 (hg19) VCF-style: chr7-55273060-C-G.
Other names: c.3248C>G, p.Pro1083Arg (NM_001346899.2); c.2582C>G, p.Pro861Arg (NM_001346941.2); c.3224C>G, p.Pro1075Arg (NM_001346900.2); short protein forms P1083R, P1075R, P1128R, P861R.
Identifiers: ClinVar variation 3843857 (VCV003843857.1).
Genomic context (GRCh38, chr7:55,205,367, plus strand): 5'-CTGTCTATCACAATCAGCCTCTGAACCCCGCGCCCAGCAGAGACCCACACTACCAGGACC[C>G]CCACAGCACTGCAGTGGGCAACCCCGAGTATCTCAACACTGTCCAGCCCACCTGTGTCAA-3'
Protein context (NP_005219.2, residues 1118-1138): APSRDPHYQD[Pro1128Arg]HSTAVGNPEY